The following is an entry in ClinVar:

NM_182961.4(SYNE1):c.888+2T>A

Gene: SYNE1 (spectrin repeat containing nuclear envelope protein 1; minus strand). Cytogenetic location: 6q25.2.
Variant type: single nucleotide variant.
Coding change: c.888+2T>A on transcript NM_182961.4 (MANE Select); the canonical splice donor site of the intron after coding-DNA position 888, T replaced by A.
Molecular consequence: splice donor variant.
Genome position (GRCh38, 1-based): chr6:152,502,631, A>T on the plus strand (T>A on the coding strand, the complement: SYNE1 is on the minus strand). VCF-style: chr6-152502631-A-T. GRCh37 (hg19) VCF-style: chr6-152823766-A-T.
Other names: c.909+2T>A (NM_033071.5).
Identifiers: ClinVar variation 931742 (VCV000931742.3), dbSNP rs754518742, ClinGen allele CA4059599.

ClinVar aggregate classification (germline): Likely pathogenic (1 of 4 stars; one submission).

Conditions:
Autosomal recessive ataxia, Beauce type. Also called: Spinocerebellar ataxia, autosomal recessive 8; ATAXIA, RECESSIVE, OF BEAUCE; SYNE1-Related Autosomal Recessive Cerebellar Ataxia; SYNE1 Deficiency. Identifiers: Orphanet 88644, MedGen C1853116, MONDO:0012549, OMIM 610743.

Allele frequency attached by ClinVar (database versions not stated): gnomAD exomes below 0.00001; ExAC 0.00001.
gnomAD v4.1: 1 of 1,609,132 alleles (0.000062%); highest among the groups gnomAD compares: Non-Finnish European, 0.000085%; no homozygotes.

Submission:

Centre for Mendelian Genomics, University Medical Centre Ljubljana
Classification: Likely pathogenic for Autosomal recessive ataxia, Beauce type. Last evaluated: 2019-09-06. Review status: criteria provided, single submitter. Criteria: ACMG Guidelines, 2015. Collection method: clinical testing. Allele origin: unknown. Affected: yes.
Comment: This variant was classified as: Likely pathogenic. The following ACMG criteria were applied in classifying this variant: PVS1,PM2.